The following is an entry in ClinVar:

NM_024753.5(TTC21B):c.1739C>T (p.Ala580Val)

Gene: TTC21B (tetratricopeptide repeat domain 21B; minus strand). Cytogenetic location: 2q24.3.
Variant type: single nucleotide variant.
Coding change: c.1739C>T on transcript NM_024753.5 (MANE Select); coding-DNA position 1739, C replaced by T.
Protein change: p.Ala580Val; replaces alanine 580 with valine.
Molecular consequence: missense variant.
Genome position (GRCh38, 1-based): chr2:165,917,417, G>A on the plus strand (C>T on the coding strand, the complement: TTC21B is on the minus strand). VCF-style: chr2-165917417-G-A. GRCh37 (hg19) VCF-style: chr2-166773927-G-A.
Other names: short protein forms A580V.
Identifiers: ClinVar variation 2193768 (VCV002193768.1), dbSNP rs769968471, ClinGen allele CA1942029.

ClinVar aggregate classification (germline): Uncertain significance (1 of 4 stars; one submission).

Conditions:
Jeune thoracic dystrophy. Also called: Jeune syndrome; Infantile thoracic dystrophy; Thoracic pelvic phalangeal dystrophy; Jeune's syndrome; Chondroectodermal dysplasia-like syndrome; Short-rib thoracic dysplasia. Identifiers: Orphanet 474, MedGen C0265275, MONDO:0018770.
Nephronophthisis. Also called: Juvenile Nephronophthisis. Identifiers: Orphanet 655, MedGen C0687120, MONDO:0019005, HP:0000090.

Allele frequency attached by ClinVar (database versions not stated): ExAC 0.00001; gnomAD 0.00001; gnomAD exomes 0.00001.
gnomAD v4.1: 10 of 1,613,892 alleles (0.00062%); highest among the groups gnomAD compares: South Asian, 0.011%; no homozygotes.

Submission:

Labcorp Genetics (formerly Invitae), Labcorp
Classification: Uncertain significance for Jeune thoracic dystrophy; Nephronophthisis. Last evaluated: 2022-03-26. Review status: criteria provided, single submitter. Criteria: Invitae Variant Classification Sherloc (09022015). Collection method: clinical testing. Allele origin: germline.
Comment: This sequence change replaces alanine, which is neutral and non-polar, with valine, which is neutral and non-polar, at codon 580 of the TTC21B protein (p.Ala580Val). This variant is present in population databases (rs769968471, gnomAD 0.01%). This variant has not been reported in the literature in individuals affected with TTC21B-related conditions. Algorithms developed to predict the effect of missense changes on protein structure and function (SIFT, PolyPhen-2, Align-GVGD) all suggest that this variant is likely to be tolerated. In summary, the available evidence is currently insufficient to determine the role of this variant in disease. Therefore, it has been classified as a Variant of Uncertain Significance.